The following is an entry in ClinVar:

NM_001365536.1(SCN9A):c.3329C>T (p.Ser1110Leu)

Genes: SCN1A-AS1 (SCN1A and SCN9A antisense RNA 1; plus strand), SCN9A (sodium voltage-gated channel alpha subunit 9; minus strand). Cytogenetic location: 2q24.3.
Variant type: single nucleotide variant.
Coding change: c.3329C>T on transcript NM_001365536.1 (MANE Select); coding-DNA position 3329, C replaced by T.
Protein change: p.Ser1110Leu; replaces serine 1110 with leucine.
Molecular consequence: missense variant.
Genome position (GRCh38, 1-based): chr2:166,272,421, G>A on the plus strand (C>T on the coding strand, the complement: SCN9A is on the minus strand). VCF-style: chr2-166272421-G-A. GRCh37 (hg19) VCF-style: chr2-167128931-G-A.
Other names: p.Ser1099Leu; c.3296C>T, p.Ser1099Leu (NM_002977.4); short protein forms S1099L, S1110L.
Identifiers: ClinVar variation 423474 (VCV000423474.44), dbSNP rs145258166, ClinGen allele CA1944100.

ClinVar aggregate classification (germline): Conflicting classifications of pathogenicity. Review status: criteria provided, conflicting classifications (1 of 4 stars). 7 submissions from 7 submitters: Uncertain significance (5); Likely benign (2). Last evaluated 2026-10-13.

Conditions:
Inborn genetic diseases. Identifiers: MedGen C0950123, MeSH D030342.
SCN9A-related disorder. Also called: SCN9A-related condition; SCN9A-related disorders.
Generalized epilepsy with febrile seizures plus, type 7 (GEFSP7). Also called: GEFS+, TYPE 7. Identifiers: Orphanet 36387, MedGen C2751778, MONDO:0013470, OMIM 613863.
Neuropathy, hereditary sensory and autonomic, type 2A (HSAN2A). Also called: HSAN IIA; WNK1-Related HSAN2 (HSAN2A); ACROOSTEOLYSIS, GIACCAI TYPE; ACROOSTEOLYSIS, NEUROGENIC; MORVAN DISEASE; NEUROPATHY, CONGENITAL SENSORY. Identifiers: Orphanet 970, MedGen C2752089, MONDO:0024309, OMIM 201300.

Allele frequency attached by ClinVar (database versions not stated): gnomAD exomes 0.00009 and 0.00019; ExAC 0.00043; gnomAD 0.00062 and 0.00066; ESP Exome Variant Server 0.00076; TOPMed 0.00077; 1000 Genomes Project 0.00100; 1000 Genomes Project 30x 0.00125.

Submissions (7):

GeneDx
Classification: Uncertain significance. Last evaluated: 2026-10-13. Review status: criteria provided, single submitter. Criteria: GeneDx Variant Classification Process June 2021. Collection method: clinical testing. Allele origin: germline.
Comment: In silico analysis supports that this missense variant has a deleterious effect on protein structure/function; Has not been previously published as pathogenic or benign to our knowledge

PreventionGenetics, part of Exact Sciences
Classification: Likely benign for SCN9A-related condition. Last evaluated: 2026-01-27. Review status: criteria provided, single submitter. Criteria: ACMG Guidelines, 2015. Collection method: clinical testing. Allele origin: germline.
Comment: This variant is classified as likely benign based on ACMG/AMP sequence variant interpretation guidelines (Richards et al. 2015 PMID: 25741868, with internal and published modifications).

Labcorp Genetics (formerly Invitae), Labcorp
Classification: Likely benign for Neuropathy, hereditary sensory and autonomic, type 2A; Generalized epilepsy with febrile seizures plus, type 7. Last evaluated: 2026-01-26. Review status: criteria provided, single submitter. Criteria: Invitae Variant Classification Sherloc (09022015). Collection method: clinical testing. Allele origin: germline.

CeGaT Center for Human Genetics Tuebingen
Classification: Uncertain significance. Last evaluated: 2024-07-01. Review status: criteria provided, single submitter. Criteria: CeGaT Center For Human Genetics Tuebingen Variant Classification Criteria Version 2. Collection method: clinical testing. Allele origin: germline. Affected: yes. Observed: 1 variant allele.

Ambry Genetics
Classification: Uncertain significance for Inborn genetic diseases. Last evaluated: 2022-09-14. Review status: criteria provided, single submitter. Criteria: Ambry Variant Classification Scheme 2023. Collection method: clinical testing. Allele origin: germline.
Comment: The p.S1099L variant (also known as c.3296C>T), located in coding exon 16 of the SCN9A gene, results from a C to T substitution at nucleotide position 3296. The serine at codon 1099 is replaced by leucine, an amino acid with dissimilar properties. This amino acid position is highly conserved in available vertebrate species. In addition, this alteration is predicted to be deleterious by in silico analysis. Since supporting evidence is limited at this time, the clinical significance of this alteration remains unclear.

Mayo Clinic Laboratories, Mayo Clinic
Classification: Uncertain significance. Last evaluated: 2022-02-04. Review status: criteria provided, single submitter. Criteria: ACMG Guidelines, 2015. Collection method: clinical testing. Allele origin: germline. Observed: 3 variant alleles.

Eurofins Ntd Llc (ga)
Classification: Uncertain significance. Last evaluated: 2016-12-27. Review status: criteria provided, single submitter. Criteria: EGL Classification Definitions 2015. Collection method: clinical testing. Allele origin: germline. Observed: 1 variant allele, 1 heterozygote.